The following is an entry in ClinVar:

ClinVar aggregate classification (germline): Uncertain significance (1 of 4 stars; one submission).

Allele frequency attached by ClinVar (database versions not stated): TOPMed below 0.00001; gnomAD exomes 0.00001.
gnomAD v4.1: 5 of 1,613,876 alleles (0.00031%); highest among the groups gnomAD compares: Non-Finnish European, 0.00042%; no homozygotes.

Submission:

Labcorp Genetics (formerly Invitae), Labcorp
Classification: Uncertain significance. Last evaluated: 2021-11-02. Review status: criteria provided, single submitter. Criteria: Invitae Variant Classification Sherloc (09022015). Collection method: clinical testing. Allele origin: germline.
Comment: This sequence change replaces threonine, which is neutral and polar, with alanine, which is neutral and non-polar, at codon 27 of the SKIV2L protein (p.Thr27Ala). This variant is not present in population databases (gnomAD no frequency). This variant has not been reported in the literature in individuals affected with SKIV2L-related conditions. Algorithms developed to predict the effect of missense changes on protein structure and function (SIFT, PolyPhen-2, Align-GVGD) all suggest that this variant is likely to be tolerated. In summary, the available evidence is currently insufficient to determine the role of this variant in disease. Therefore, it has been classified as a Variant of Uncertain Significance.

NM_006929.5(SKIC2):c.79A>G (p.Thr27Ala)

Gene: SKIC2 (SKI2 subunit of superkiller complex; plus strand). Cytogenetic location: 6p21.33.
Variant type: single nucleotide variant.
Coding change: c.79A>G on transcript NM_006929.5 (MANE Select); coding-DNA position 79, A replaced by G.
Protein change: p.Thr27Ala; replaces threonine 27 with alanine.
Molecular consequence: missense variant.
Genome position (GRCh38, 1-based): chr6:31,959,353, A>G. VCF-style: chr6-31959353-A-G. GRCh37 (hg19) VCF-style: chr6-31927130-A-G.
Other names: short protein forms T27A.
Identifiers: ClinVar variation 1478678 (VCV001478678.3), dbSNP rs1772332446, ClinGen allele CA363432842.